The following is an entry in ClinVar:

NM_000252.3(MTM1):c.1084G>C (p.Asp362His)

Gene: MTM1 (myotubularin 1; plus strand). Cytogenetic location: Xq28.
Variant type: single nucleotide variant.
Coding change: c.1084G>C on transcript NM_000252.3 (MANE Select); coding-DNA position 1084, G replaced by C.
Protein change: p.Asp362His; replaces aspartic acid 362 with histidine.
Molecular consequence: missense variant.
Genome position (GRCh38, 1-based): chrX:150,657,851, G>C. VCF-style: chrX-150657851-G-C. GRCh37 (hg19) VCF-style: chrX-149826324-G-C.
Other names: c.1084G>C, p.Asp362His (NM_001376906.1, NM_001376908.1); c.973G>C, p.Asp325His (NM_001376907.1); short protein forms D325H, D362H.
Identifiers: ClinVar variation 1462076 (VCV001462076.6), dbSNP rs2148508579, ClinGen allele CA415258187.

ClinVar aggregate classification (germline): Uncertain significance (1 of 4 stars; one submission).

Conditions:
Severe X-linked myotubular myopathy (CNMX). Also called: Myotubular myopathy, X-linked; X-linked centronuclear myopathy; MYOTUBULAR MYOPATHY 1. Identifiers: Orphanet 596, MedGen C0410203, MONDO:0010683, OMIM 310400.

Submission:

Labcorp Genetics (formerly Invitae), Labcorp
Classification: Uncertain significance for Severe X-linked myotubular myopathy. Last evaluated: 2021-09-25. Review status: criteria provided, single submitter. Criteria: Invitae Variant Classification Sherloc (09022015). Collection method: clinical testing. Allele origin: germline.
Comment: In summary, the available evidence is currently insufficient to determine the role of this variant in disease. Therefore, it has been classified as a Variant of Uncertain Significance. Algorithms developed to predict the effect of missense changes on protein structure and function are either unavailable or do not agree on the potential impact of this missense change (SIFT: "Tolerated"; PolyPhen-2: "Probably Damaging"; Align-GVGD: "Class C0"). This variant has not been reported in the literature in individuals affected with MTM1-related conditions. This variant is not present in population databases (ExAC no frequency). This sequence change replaces aspartic acid with histidine at codon 362 of the MTM1 protein (p.Asp362His). The aspartic acid residue is highly conserved and there is a moderate physicochemical difference between aspartic acid and histidine.